The following is an entry in ClinVar:

NM_001267550.2(TTN):c.51419T>C (p.Ile17140Thr)

Genes: TTN (titin; minus strand), TTN-AS1 (TTN antisense RNA 1; plus strand). Cytogenetic location: 2q31.2.
Variant type: single nucleotide variant.
Coding change: c.51419T>C on transcript NM_001267550.2 (MANE Select); coding-DNA position 51419, T replaced by C.
Protein change: p.Ile17140Thr; replaces isoleucine 17140 with threonine.
Molecular consequence: missense variant.
Genome position (GRCh38, 1-based): chr2:178,610,107, A>G on the plus strand (T>C on the coding strand, the complement: TTN is on the minus strand). VCF-style: chr2-178610107-A-G. GRCh37 (hg19) VCF-style: chr2-179474834-A-G.
Other names: c.46496T>C, p.Ile15499Thr (NM_001256850.1); c.24224T>C, p.Ile8075Thr (NM_003319.4); c.43715T>C, p.Ile14572Thr (NM_133378.4); c.24599T>C, p.Ile8200Thr (NM_133432.3); c.24800T>C, p.Ile8267Thr (NM_133437.4); short protein forms I14572T, I15499T, I17140T, I8075T, I8200T, I8267T.
Identifiers: ClinVar variation 2684092 (VCV002684092.1), dbSNP rs2470424524, ClinGen allele CA349586004.

ClinVar aggregate classification (germline): Uncertain significance (1 of 4 stars; one submission).

Submission:

Athena Diagnostics
Classification: Uncertain significance. Last evaluated: 2022-09-23. Review status: criteria provided, single submitter. Criteria: Athena Diagnostics Criteria. Collection method: clinical testing. Allele origin: unknown.
Comment: Available data are insufficient to determine the clinical significance of the variant at this time. This variant has not been reported in large, multi-ethnic general populations. Computational tools predict that this variant is not damaging.